The following is an entry in ClinVar:

NM_006445.4(PRPF8):c.648C>G (p.Ser216Arg)

Gene: PRPF8 (pre-mRNA processing factor 8; minus strand). Cytogenetic location: 17p13.3.
Variant type: single nucleotide variant.
Coding change: c.648C>G on transcript NM_006445.4 (MANE Select); coding-DNA position 648, C replaced by G.
Protein change: p.Ser216Arg; replaces serine 216 with arginine.
Molecular consequence: missense variant.
Genome position (GRCh38, 1-based): chr17:1,681,825, G>C on the plus strand (C>G on the coding strand, the complement: PRPF8 is on the minus strand). VCF-style: chr17-1681825-G-C. GRCh37 (hg19) VCF-style: chr17-1585119-G-C.
Other names: short protein forms S216R.
Identifiers: ClinVar variation 4742823 (VCV004742823.1).

ClinVar aggregate classification (germline): Uncertain significance (1 of 4 stars; one submission).

Submission:

Labcorp Genetics (formerly Invitae), Labcorp
Classification: Uncertain significance. Last evaluated: 2025-12-15. Review status: criteria provided, single submitter. Criteria: Invitae Variant Classification Sherloc (09022015). Collection method: clinical testing. Allele origin: germline.
Comment: This sequence change replaces serine, which is neutral and polar, with arginine, which is basic and polar, at codon 216 of the PRPF8 protein (p.Ser216Arg). This variant is not present in population databases (gnomAD no frequency). This variant has not been reported in the literature in individuals affected with PRPF8-related conditions. Invitae Evidence Modeling of protein sequence and biophysical properties (such as structural, functional, and spatial information, amino acid conservation, physicochemical variation, residue mobility, and thermodynamic stability) indicates that this missense variant is not expected to disrupt PRPF8 protein function with a negative predictive value of 80%. In summary, the available evidence is currently insufficient to determine the role of this variant in disease. Therefore, it has been classified as a Variant of Uncertain Significance.